The following is an entry in ClinVar:

NM_006031.6(PCNT):c.415C>A (p.Pro139Thr)

Gene: PCNT (pericentrin; plus strand). Cytogenetic location: 21q22.3.
Variant type: single nucleotide variant.
Coding change: c.415C>A on transcript NM_006031.6 (MANE Select); coding-DNA position 415, C replaced by A.
Protein change: p.Pro139Thr; replaces proline 139 with threonine.
Molecular consequence: missense variant.
Genome position (GRCh38, 1-based): chr21:46,334,544, C>A. VCF-style: chr21-46334544-C-A. GRCh37 (hg19) VCF-style: chr21-47754458-C-A.
Other names: c.61C>A, p.Pro21Thr (NM_001315529.2); short protein forms P21T, P139T.
Identifiers: ClinVar variation 4992439 (VCV004992439.1).
Genomic context (GRCh38, chr21:46,334,544, plus strand): 5'-ATGTTCACAGTCAGTGACCACCCACCAGAACAGCATGGGATGTTCACAGTCGGTGACCAC[C>A]CACCAGAACAGCGTGGGATGTTCACAGTCAGTGACCACCCACCAGAACAGCATGGGATGT-3'
Protein context (NP_006022.3, residues 129-149): QHGMFTVGDH[Pro139Thr]PEQRGMFTVS

ClinVar aggregate classification (germline): Uncertain significance (1 of 4 stars; one submission).

Conditions:
PCNT-related disorder. Also called: PCNT-related condition.

Submission:

PreventionGenetics, part of Exact Sciences
Classification: Uncertain significance for PCNT-related condition. Last evaluated: 2026-08-04. Review status: criteria provided, single submitter. Criteria: ACMG Guidelines, 2015. Collection method: clinical testing. Allele origin: germline.
Comment: The PCNT c.415C>A variant is predicted to result in the amino acid substitution p.Pro139Thr. To our knowledge, this variant has not been reported in the literature or in a large population database (gnomAD), indicating this variant is rare. At this time, the clinical significance of this variant is uncertain due to the absence of conclusive functional and genetic evidence.